The following is an entry in ClinVar:

NM_198578.4(LRRK2):c.3977T>G (p.Leu1326Ter)

Gene: LRRK2 (leucine rich repeat kinase 2; plus strand). Cytogenetic location: 12q12.
Variant type: single nucleotide variant.
Coding change: c.3977T>G on transcript NM_198578.4 (MANE Select); coding-DNA position 3977, T replaced by G.
Protein change: p.Leu1326Ter; replaces leucine 1326 with a stop codon.
Molecular consequence: nonsense.
Genome position (GRCh38, 1-based): chr12:40,308,484, T>G. VCF-style: chr12-40308484-T-G. GRCh37 (hg19) VCF-style: chr12-40702286-T-G.
Other names: short protein forms L1326*.
Identifiers: ClinVar variation 1879229 (VCV001879229.29), dbSNP rs2499811726, ClinGen allele CA384417483.
Genomic context (GRCh38, chr12:40,308,484, plus strand): 5'-TTTTAAGCAGTTTATTATTTTATTTTTATCTTTCAAATACTAGGTTTCTTCAACAGCGAT[T>G]AAAAAAGGCTGTGCCTTATAACCGAATGAAACTTATGATTGTGGGAAATACTGGGAGTGG-3'

ClinVar aggregate classification (germline): Uncertain significance (1 of 4 stars; one submission).

Submission:

CeGaT Center for Human Genetics Tuebingen
Classification: Uncertain significance. Last evaluated: 2022-12-01. Review status: criteria provided, single submitter. Criteria: CeGaT Center For Human Genetics Tuebingen Variant Classification Criteria Version 2. Collection method: clinical testing. Allele origin: germline. Affected: yes. Observed: 1 variant allele.
Comment: LRRK2: PM2, PS2:Supporting